The following is an entry in ClinVar:

ClinVar aggregate classification (germline): drug response. Review status: reviewed by expert panel (3 of 4 stars). 3 submissions from 3 submitters: drug response (1). 2 of the submissions do not count toward it. Last evaluated 2021-03-24.

Conditions:
Dihydropyrimidine dehydrogenase deficiency (DPYDD). Also called: DPD DEFICIENCY; DPYD DEFICIENCY; Hereditary Thymine-Uraciluria. Identifiers: Orphanet 1675, MedGen C1959620, MONDO:0010130, OMIM 274270.
fluorouracil response - Other.

Submissions (3):

ClinPGx
Classification: drug response for fluorouracil response - Other. Last evaluated: 2021-03-24. Review status: reviewed by expert panel. Criteria: Pharmacogenomics knowledge for personalized medicine. Collection method: curation. Allele origin: germline. Affected: yes.
Comment: PharmGKB Level of Evidence 1A: Level 1A clinical annotations describe variant-drug combinations that have variant-specific prescribing guidance available in a current clinical guideline annotation or an FDA-approved drug label annotation. Annotations of drug labels or clinical guidelines must give prescribing guidance for specific variants (e.g. CYP2C9*3, HLA-B*57:01) or provide mapping from defined allele functions to diplotypes and phenotypes to be used as supporting evidence for a level 1A clinical annotation. Level 1A clinical annotations must also be supported by at least one publication in addition to a clinical guideline or drug label with variant-specific prescribing guidance.

Baylor Genetics
Classification: Pathogenic for Dihydropyrimidine dehydrogenase deficiency. Last evaluated: 2023-06-11. Review status: criteria provided, single submitter. Criteria: ACMG Guidelines, 2015. Collection method: clinical testing. Allele origin: unknown. Not counted in ClinVar's aggregate classification.

OMIM
Classification: Pathogenic for DIHYDROPYRIMIDINE DEHYDROGENASE DEFICIENCY. Last evaluated: 1997-08-01. Review status: no assertion criteria provided. Collection method: literature only. Allele origin: germline. Not counted in ClinVar's aggregate classification.

Literature cited by the submitters: PubMed 10071185 (cited by ClinPGx); PubMed 24648345 (cited by ClinPGx); PubMed 9439663 (cited by ClinPGx); PubMed 9254861 (cited by OMIM).

NM_000110.4(DPYD):c.1898del (p.Pro633fs)

Gene: DPYD (dihydropyrimidine dehydrogenase; minus strand). Cytogenetic location: 1p21.3.
Variant type: Deletion.
Coding change: c.1898del on transcript NM_000110.4 (MANE Select); coding-DNA position 1898, one base deleted (C; older notation c.1898delC).
Protein change: p.Pro633fs; shifts the reading frame from proline 633.
Molecular consequence: frameshift variant.
Genome position (GRCh38, 1-based): chr1:97,450,066, G deleted on the plus strand (C on the coding strand, the reverse complement: DPYD is on the minus strand); the first of 2 consecutive G bases (chr1:97,450,066-97,450,067); deleting either gives the same sequence. VCF-style (leftmost placement, unchanged base first): chr1-97450065-TG-T. GRCh37 (hg19) VCF-style: chr1-97915621-TG-T.
Other names: short protein forms P633fs.
Identifiers: ClinVar variation 635266 (VCV000635266.5), dbSNP rs72549303, ClinGen allele CA27501721.
Genomic context (GRCh38, chr1:97,450,065, plus strand): 5'-AACATTCACCAACTTATGCCAATTCTCTTGTTTTAGATGTTAAATCACACTTACGTTGTC[TG>T]GAAAGTCAGCCTTTAGTTCAGTGACACTTTGACACCAATATGCAGCCGTTTTCTCACTGA-3'